The following is an entry in ClinVar:

NM_007194.4(CHEK2):c.426A>T (p.Lys142Asn)

Gene: CHEK2 (checkpoint kinase 2; minus strand). Cytogenetic location: 22q12.1.
Variant type: single nucleotide variant.
Coding change: c.426A>T on transcript NM_007194.4 (MANE Select); coding-DNA position 426, A replaced by T.
Protein change: p.Lys142Asn; replaces lysine 142 with asparagine.
Molecular consequence: missense variant. On other transcripts: 5 prime UTR variant (2).
Genome position (GRCh38, 1-based): chr22:28,725,261, T>A on the plus strand (A>T on the coding strand, the complement: CHEK2 is on the minus strand). VCF-style: chr22-28725261-T-A. GRCh37 (hg19) VCF-style: chr22-29121249-T-A.
Other names: c.555A>T, p.Lys185Asn (NM_001005735.3, NM_001438294.1); c.-352A>T (NM_001257387.3); c.426A>T, p.Lys142Asn (NM_001349956.3, NM_145862.3); c.-238A>T (NM_001437942.1); c.519A>T, p.Lys173Asn (NM_001438293.1, NM_001438295.1); short protein forms K173N, K185N, K142N.
Identifiers: ClinVar variation 5034560 (VCV005034560.1).

ClinVar aggregate classification (germline): Uncertain significance (1 of 4 stars; one submission).

Conditions:
Hereditary cancer-predisposing syndrome. Also called: Hereditary Cancer Syndrome; Neoplastic Syndromes, Hereditary; Tumor predisposition; Hereditary neoplastic syndrome. Identifiers: Orphanet 140162, MedGen C0027672, MeSH D009386, MONDO:0015356.

Submission:

Ambry Genetics
Classification: Uncertain significance for Hereditary cancer-predisposing syndrome. Last evaluated: 2026-07-30. Review status: criteria provided, single submitter. Criteria: Ambry Variant Classification Scheme 2023. Collection method: clinical testing. Allele origin: germline.
Comment: The p.K142N variant (also known as c.426A>T), located in coding exon 2 of the CHEK2 gene, results from an A to T substitution at nucleotide position 426. The lysine at codon 142 is replaced by asparagine, an amino acid with similar properties. This amino acid position is highly conserved in available vertebrate species. In addition, the in silico prediction for this alteration is inconclusive. Based on the available evidence, the clinical significance of this variant remains unclear.